The following is an entry in ClinVar:

NM_177438.3(DICER1):c.2945A>G (p.Asn982Ser)

Gene: DICER1 (dicer 1, ribonuclease III; minus strand). Cytogenetic location: 14q32.13.
Variant type: single nucleotide variant.
Coding change: c.2945A>G on transcript NM_177438.3 (MANE Select); coding-DNA position 2945, A replaced by G.
Protein change: p.Asn982Ser; replaces asparagine 982 with serine.
Molecular consequence: missense variant.
Genome position (GRCh38, 1-based): chr14:95,106,083, T>C on the plus strand (A>G on the coding strand, the complement: DICER1 is on the minus strand). VCF-style: chr14-95106083-T-C. GRCh37 (hg19) VCF-style: chr14-95572420-T-C.
Other names: c.2945A>G, p.Asn982Ser (NM_001195573.1, NM_001271282.3, NM_001291628.2 and 1 more transcripts); short protein forms N982S.
Identifiers: ClinVar variation 574364 (VCV000574364.16), dbSNP rs1376668585, ClinGen allele CA390878890.

ClinVar aggregate classification (germline): Conflicting classifications of pathogenicity. Review status: criteria provided, conflicting classifications (1 of 4 stars). 3 submissions from 3 submitters: Uncertain significance (2); Likely benign (1). Last evaluated 2025-02-23.

Conditions:
Hereditary cancer-predisposing syndrome. Also called: Hereditary neoplastic syndrome; Neoplastic Syndromes, Hereditary; Hereditary Cancer Syndrome; Tumor predisposition. Identifiers: Orphanet 140162, MedGen C0027672, MeSH D009386, MONDO:0015356.
DICER1-related tumor predisposition. Also called: DICER1 syndrome; DICER1-related pleuropulmonary blastoma cancer predisposition syndrome. Identifiers: Orphanet 284343, MedGen C3839822, MONDO:0100216.

Allele frequency attached by ClinVar (database versions not stated): gnomAD 0.00001.
gnomAD v4.1: 1 of 1,614,048 alleles (0.000062%); highest among the groups gnomAD compares: African/African-American, 0.0013%; no homozygotes.

Submissions (3):

Labcorp Genetics (formerly Invitae), Labcorp
Classification: Uncertain significance for DICER1-related tumor predisposition. Last evaluated: 2025-02-23. Review status: criteria provided, single submitter. Criteria: Invitae Variant Classification Sherloc (09022015). Collection method: clinical testing. Allele origin: germline.
Comment: This sequence change replaces asparagine, which is neutral and polar, with serine, which is neutral and polar, at codon 982 of the DICER1 protein (p.Asn982Ser). This variant is present in population databases (no rsID available, gnomAD 0.01%). This variant has not been reported in the literature in individuals affected with DICER1-related conditions. ClinVar contains an entry for this variant (Variation ID: 574364). Invitae Evidence Modeling of protein sequence and biophysical properties (such as structural, functional, and spatial information, amino acid conservation, physicochemical variation, residue mobility, and thermodynamic stability) indicates that this missense variant is not expected to disrupt DICER1 protein function with a negative predictive value of 95%. In summary, the available evidence is currently insufficient to determine the role of this variant in disease. Therefore, it has been classified as a Variant of Uncertain Significance.

Quest Diagnostics Nichols Institute San Juan Capistrano
Classification: Uncertain significance. Last evaluated: 2024-12-27. Review status: criteria provided, single submitter. Criteria: Quest Diagnostics criteria. Collection method: clinical testing. Allele origin: unknown.
Comment: The DICER1 c.2945A>G (p.Asn982Ser) variant has not been reported in individuals with DICER1-related conditions in the published literature. The frequency of this variant in the general population (Genome Aggregation Database) is uninformative in the assessment of its pathogenicity. Analysis of this variant using bioinformatics tools for the prediction of the effect of amino acid changes on protein structure and function yielded conflicting predictions that this variant is benign or damaging. Based on the available information, we are unable to determine the clinical significance of this variant.

Ambry Genetics
Classification: Likely benign for Hereditary cancer-predisposing syndrome. Last evaluated: 2024-12-09. Review status: criteria provided, single submitter. Criteria: Ambry Variant Classification Scheme 2023. Collection method: clinical testing. Allele origin: germline.